The following is an entry in ClinVar:

ClinVar aggregate classification (germline): Uncertain significance (1 of 4 stars; one submission).

Conditions:
Nemaline myopathy 2 (NEM2). Also called: Nemaline myopathy 2, autosomal recessive. Identifiers: MedGen C1850569, MONDO:0009725, OMIM 256030.

Submission:

Labcorp Genetics (formerly Invitae), Labcorp
Classification: Uncertain significance for Nemaline myopathy 2. Last evaluated: 2022-06-08. Review status: criteria provided, single submitter. Criteria: Invitae Variant Classification Sherloc (09022015). Collection method: clinical testing. Allele origin: germline.
Comment: In summary, the available evidence is currently insufficient to determine the role of this variant in disease. Therefore, it has been classified as a Variant of Uncertain Significance. Algorithms developed to predict the effect of missense changes on protein structure and function are either unavailable or do not agree on the potential impact of this missense change (SIFT: "Deleterious"; PolyPhen-2: "Not Available"; Align-GVGD: "Class C0"). This variant has not been reported in the literature in individuals affected with NEB-related conditions. This variant is not present in population databases (gnomAD no frequency). This sequence change replaces isoleucine, which is neutral and non-polar, with leucine, which is neutral and non-polar, at codon 7704 of the NEB protein (p.Ile7704Leu).

NM_001164508.2(NEB):c.23005A>C (p.Ile7669Leu)

Genes: NEB (nebulin; minus strand), RIF1 (replication timing regulatory factor 1; plus strand). Cytogenetic location: 2q23.3.
Variant type: single nucleotide variant.
Coding change: c.23005A>C on transcript NM_001164508.2 (MANE Select); coding-DNA position 23005, A replaced by C.
Protein change: p.Ile7669Leu; replaces isoleucine 7669 with leucine.
Molecular consequence: missense variant.
Genome position (GRCh38, 1-based): chr2:151,514,829, T>G on the plus strand (A>C on the coding strand, the complement: NEB is on the minus strand). VCF-style: chr2-151514829-T-G. GRCh37 (hg19) VCF-style: chr2-152371343-T-G.
Other names: c.23005A>C, p.Ile7669Leu (NM_001164507.2); c.23110A>C, p.Ile7704Leu (NM_001271208.2); c.17902A>C, p.Ile5968Leu (NM_004543.5); short protein forms I5968L, I7669L, I7704L.
Identifiers: ClinVar variation 2000421 (VCV002000421.4), dbSNP rs2552081081, ClinGen allele CA348754014.